The following is an entry in ClinVar:

ClinVar aggregate classification (germline): Likely pathogenic (1 of 4 stars; one submission).

Conditions:
Tuberous sclerosis 1 (TSC1). Identifiers: Orphanet 805, MedGen C1854465, MONDO:0008612, OMIM 191100.

Submission:

MGZ Medical Genetics Center
Classification: Likely pathogenic for Tuberous sclerosis 1. Last evaluated: 2021-09-30. Review status: criteria provided, single submitter. Criteria: ACMG Guidelines, 2015. Collection method: clinical testing. Allele origin: germline. Affected: yes. Observed: 1 variant allele.
Comment: ACMG criteria applied: PS3_MOD, PS4_MOD, PM2_SUP, PP3, PP4

NM_000368.5(TSC1):c.562T>G (p.Phe188Val)

Gene: TSC1 (TSC complex subunit 1; minus strand). Cytogenetic location: 9q34.13.
Variant type: single nucleotide variant.
Coding change: c.562T>G on transcript NM_000368.5 (MANE Select); coding-DNA position 562, T replaced by G.
Protein change: p.Phe188Val; replaces phenylalanine 188 with valine.
Molecular consequence: missense variant.
Genome position (GRCh38, 1-based): chr9:132,921,920, A>C on the plus strand (T>G on the coding strand, the complement: TSC1 is on the minus strand). VCF-style: chr9-132921920-A-C. GRCh37 (hg19) VCF-style: chr9-135797307-A-C.
Other names: c.562T>G, p.Phe188Val (NM_001162426.2, NM_001406592.1, NM_001406593.1 and 16 more transcripts); c.409T>G, p.Phe137Val (NM_001162427.2, NM_001406610.1, NM_001406611.1 and 2 more transcripts); c.199T>G, p.Phe67Val (NM_001362177.2, NM_001406614.1, NM_001406615.1 and 10 more transcripts); c.-316T>G (NM_001406626.1, NM_001406627.1, NM_001406628.1); c.-458T>G (NM_001406629.1); c.-532T>G (NM_001406630.1); short protein forms F137V, F188V, F67V.
Identifiers: ClinVar variation 1710016 (VCV001710016.2), dbSNP rs2539014270, ClinGen allele CA375372717.